The following is an entry in ClinVar:

NM_025179.4(PLXNA2):c.4437C>G (p.Gly1479=)

Gene: PLXNA2 (plexin A2; minus strand). Cytogenetic location: 1q32.2.
Variant type: single nucleotide variant.
Coding change: c.4437C>G on transcript NM_025179.4 (MANE Select); coding-DNA position 4437, C replaced by G.
Protein change: p.Gly1479=; no amino-acid change (glycine 1479 retained).
Molecular consequence: synonymous variant.
Genome position (GRCh38, 1-based): chr1:208,039,684, G>C on the plus strand (C>G on the coding strand, the complement: PLXNA2 is on the minus strand). VCF-style: chr1-208039684-G-C. GRCh37 (hg19) VCF-style: chr1-208213029-G-C.
Identifiers: ClinVar variation 3036457 (VCV003036457.2), dbSNP rs188406573, ClinGen allele CA422984507.
Genomic context (GRCh38, chr1:208,039,684, plus strand): 5'-GGTCTTGTACTCGATCTGCTGCCGGATGAGCTTGTCCTCGCTCAGGGAGTAGCGGGCCTC[G>C]CCCGTGATGGCATCAATGGGGCCCTTCTCCATCTGCTGCTTGATGGCACAGTATAGCATG-3'
Protein context (NP_079455.3, residues 1469-1489): MEKGPIDAIT[Gly1479=]EARYSLSEDK

ClinVar aggregate classification (germline): Likely benign (0 of 4 stars; one submission).

Conditions:
PLXNA2-related disorder. Also called: PLXNA2-related condition.

gnomAD v4.1: 1 of 1,614,164 alleles (0.000062%); highest among the groups gnomAD compares: Admixed American, 0.0017%; no homozygotes.

Submission:

PreventionGenetics, part of Exact Sciences
Classification: Likely benign for PLXNA2-related condition. Last evaluated: 2023-10-26. Review status: no assertion criteria provided. Collection method: clinical testing. Allele origin: germline.
Comment: This variant is classified as likely benign based on ACMG/AMP sequence variant interpretation guidelines (Richards et al. 2015 PMID: 25741868, with internal and published modifications).